The following is an entry in ClinVar:

NM_000321.3(RB1):c.1584_1585insCACTT (p.Tyr529fs)

Gene: RB1 (RB transcriptional corepressor 1; plus strand). Cytogenetic location: 13q14.2.
Variant type: Insertion.
Coding change: c.1584_1585insCACTT on transcript NM_000321.3 (MANE Select); coding-DNA positions 1584 to 1585, CACTT inserted.
Protein change: p.Tyr529fs; shifts the reading frame from tyrosine 529.
Molecular consequence: frameshift variant.
Genome position: GRCh38 VCF-style: chr13-48381330-T-TTTCAC. GRCh37 (hg19) VCF-style: chr13-48955466-T-TTTCAC.
Other names: short protein forms Y529fs.
Identifiers: ClinVar variation 849407 (VCV000849407.7), dbSNP rs1948533963, ClinGen allele CA916081695.
Genomic context (GRCh38, chr13:48,381,330, plus strand): 5'-TCTGGAACAGATTTGTCTTTCCCATGGATTCTGAATGTGCTTAATTTAAAAGCCTTTGAT[T>TTTCAC]TTTACAAAGTGATCGAAAGTTTTATCAAAGCAGAAGGCAACTTGACAAGAGAAATGATAA-3'

ClinVar aggregate classification (germline): Pathogenic (1 of 4 stars; one submission).

Conditions:
Retinoblastoma (RB1). Also called: RETINOBLASTOMA, SOMATIC. Identifiers: Orphanet 790, MedGen C0035335, MeSH D012175, MONDO:0008380, OMIM 180200, HP:0009919. Disease mechanism: loss of function. Inheritance: Both sporadic and heritable forms are tested..

Submission:

Labcorp Genetics (formerly Invitae), Labcorp
Classification: Pathogenic for Retinoblastoma. Last evaluated: 2019-03-12. Review status: criteria provided, single submitter. Criteria: Invitae Variant Classification Sherloc (09022015). Collection method: clinical testing. Allele origin: germline.
Comment: For these reasons, this variant has been classified as Pathogenic. Loss-of-function variants in RB1 are known to be pathogenic (PMID: 17096365). This variant has not been reported in the literature in individuals with RB1-related conditions. This variant is not present in population databases (ExAC no frequency). This sequence change creates a premature translational stop signal (p.Tyr529Hisfs*5) in the RB1 gene. It is expected to result in an absent or disrupted protein product.

Literature cited by the submitters: PubMed 17096365.